The following is an entry in ClinVar:

NM_000038.6(APC):c.7043C>T (p.Thr2348Ile)

Gene: APC (APC regulator of Wnt signaling pathway; plus strand). Cytogenetic location: 5q22.2.
Variant type: single nucleotide variant.
Coding change: c.7043C>T on transcript NM_000038.6 (MANE Select); coding-DNA position 7043, C replaced by T.
Protein change: p.Thr2348Ile; replaces threonine 2348 with isoleucine.
Molecular consequence: missense variant.
Genome position (GRCh38, 1-based): chr5:112,842,637, C>T. VCF-style: chr5-112842637-C-T. GRCh37 (hg19) VCF-style: chr5-112178334-C-T.
Other names: c.6920C>T, p.Thr2307Ile (NM_001354900.2); c.6866C>T, p.Thr2289Ile (NM_001354901.2); c.6770C>T, p.Thr2257Ile (NM_001354902.2); c.6740C>T, p.Thr2247Ile (NM_001354903.2); c.6665C>T, p.Thr2222Ile (NM_001354904.2); c.6563C>T, p.Thr2188Ile (NM_001354905.2); c.6194C>T, p.Thr2065Ile (NM_001354906.2); c.7043C>T, p.Thr2348Ile (NM_001127510.3, NM_001354895.2); and 5 more; short protein forms T2330I, T2348I, T2188I, T2307I, T2358I, T2366I, T2065I, T2222I.
Identifiers: ClinVar variation 411505 (VCV000411505.18), dbSNP rs1060503342, ClinGen allele CA16036684.
Genomic context (GRCh38, chr5:112,842,637, plus strand): 5'-CAATTTCCCCTGGTAGAAATGGAATAAGTCCTCCTAACAAATTATCTCAACTTCCAAGGA[C>T]ATCATCCCCTAGTACTGCTTCAACTAAGTCCTCAGGTTCTGGAAAAATGTCATATACATC-3'
Protein context (NP_000029.2, residues 2338-2358): PPNKLSQLPR[Thr2348Ile]SSPSTASTKS

ClinVar aggregate classification (germline): Uncertain significance. Review status: criteria provided, multiple submitters, no conflicts (2 of 4 stars). 5 submissions from 5 submitters: Uncertain significance (5). Last evaluated 2025-09-30.

Conditions:
Hereditary cancer-predisposing syndrome. Also called: Tumor predisposition; Hereditary Cancer Syndrome; Hereditary neoplastic syndrome; Neoplastic Syndromes, Hereditary. Identifiers: Orphanet 140162, MedGen C0027672, MeSH D009386, MONDO:0015356.
Familial adenomatous polyposis 1 (FAP1). Also called: FAMILIAL ADENOMATOUS POLYPOSIS 1, ATTENUATED; POLYPOSIS, ADENOMATOUS INTESTINAL. Identifiers: MedGen C2713442, MONDO:0021056, OMIM 175100. Disease mechanism: loss of function.

Allele frequency attached by ClinVar (database versions not stated): gnomAD exomes below 0.00001; TOPMed below 0.00001; gnomAD 0.00001.
gnomAD v4.1: 5 of 1,613,820 alleles (0.00031%); highest among the groups gnomAD compares: East Asian, 0.0022%; no homozygotes.

Submissions (5):

Quest Diagnostics Nichols Institute San Juan Capistrano
Classification: Uncertain significance. Last evaluated: 2025-09-30. Review status: criteria provided, single submitter. Criteria: Quest Diagnostics criteria. Collection method: clinical testing. Allele origin: unknown.
Comment: The APC c.7043C>T (p.Thr2348Ile) variant has been identified in the published literature in a colon sample, however it is unspecified whether the sample was from an individual affected with cancer or a reportedly unaffected individual (PMID: 29245953 (2017)). The frequency of this variant in the general population (Genome Aggregation Database) is uninformative in the assessment of its pathogenicity. Analysis of this variant using bioinformatics tools for the prediction of the effect of amino acid changes on protein structure and function yielded predictions that this variant is damaging. Based on the available information, we are unable to determine the clinical significance of this variant.

Labcorp Genetics (formerly Invitae), Labcorp
Classification: Uncertain significance for Familial adenomatous polyposis 1. Last evaluated: 2025-04-23. Review status: criteria provided, single submitter. Criteria: Invitae Variant Classification Sherloc (09022015). Collection method: clinical testing. Allele origin: germline.
Comment: This sequence change replaces threonine, which is neutral and polar, with isoleucine, which is neutral and non-polar, at codon 2348 of the APC protein (p.Thr2348Ile). This variant is not present in population databases (gnomAD no frequency). This variant has not been reported in the literature in individuals affected with APC-related conditions. ClinVar contains an entry for this variant (Variation ID: 411505). Invitae Evidence Modeling of protein sequence and biophysical properties (such as structural, functional, and spatial information, amino acid conservation, physicochemical variation, residue mobility, and thermodynamic stability) indicates that this missense variant is not expected to disrupt APC protein function with a negative predictive value of 95%. In summary, the available evidence is currently insufficient to determine the role of this variant in disease. Therefore, it has been classified as a Variant of Uncertain Significance.

Ambry Genetics
Classification: Uncertain significance for Hereditary cancer-predisposing syndrome. Last evaluated: 2024-12-20. Review status: criteria provided, single submitter. Criteria: Ambry Variant Classification Scheme 2023. Collection method: clinical testing. Allele origin: germline.
Comment: The p.T2348I variant (also known as c.7043C>T), located in coding exon 15 of the APC gene, results from a C to T substitution at nucleotide position 7043. The threonine at codon 2348 is replaced by isoleucine, an amino acid with similar properties. This amino acid position is well conserved in available vertebrate species. In addition, in silico predictors for this gene do not accurately predict pathogenicity. Missense alterations in APC are not a common cause of disease (Spier I et al. Genet Med. 2024 Feb;26(2):100992). Based on the available evidence, the clinical significance of this variant remains unclear.

Baylor Genetics
Classification: Uncertain significance for Familial adenomatous polyposis 1. Last evaluated: 2024-01-24. Review status: criteria provided, single submitter. Criteria: ACMG Guidelines, 2015. Collection method: clinical testing. Allele origin: unknown.

GeneDx
Classification: Uncertain significance. Last evaluated: 2023-08-16. Review status: criteria provided, single submitter. Criteria: GeneDx Variant Classification Process June 2021. Collection method: clinical testing. Allele origin: germline. Affected: yes.
Comment: Not observed at significant frequency in large population cohorts (gnomAD); In silico analysis supports that this missense variant does not alter protein structure/function; Has not been previously published as pathogenic or benign to our knowledge; This variant is associated with the following publications: (PMID: 18199528)

Literature cited by the submitters: PubMed 29245953 (cited by Quest Diagnostics Nichols Institute San Juan Capistrano).